The following is an entry in ClinVar:

NM_032856.5(WDR73):c.267A>G (p.Leu89=)

Gene: WDR73 (WD repeat domain 73; minus strand). Cytogenetic location: 15q25.2.
Variant type: single nucleotide variant.
Coding change: c.267A>G on transcript NM_032856.5 (MANE Select); coding-DNA position 267, A replaced by G.
Protein change: p.Leu89=; no amino-acid change (leucine 89 retained).
Molecular consequence: synonymous variant. On other transcripts: non-coding transcript variant (3).
Genome position (GRCh38, 1-based): chr15:84,648,557, T>C on the plus strand (A>G on the coding strand, the complement: WDR73 is on the minus strand). VCF-style: chr15-84648557-T-C. GRCh37 (hg19) VCF-style: chr15-85191788-T-C.
Identifiers: ClinVar variation 728212 (VCV000728212.10), dbSNP rs772299478, ClinGen allele CA7707468.
Genomic context (GRCh38, chr15:84,648,557, plus strand): 5'-CCATCCTGTGTGGATGGCTGGATCACAAAATTGACCATACCTGGTATGTGGCACATGCTT[T>C]AGATCAAAGATAGACCTGTCTGAAAATCCTCCATGGCGCACTTTGAAATCTCTTTCTGGG-3'
Protein context (NP_116245.2, residues 79-99): GGFSDRSIFD[Leu89=]KHVPHTRLLV

ClinVar aggregate classification (germline): Likely benign. Review status: criteria provided, multiple submitters, no conflicts (2 of 4 stars). 4 submissions from 4 submitters: Likely benign (3). 1 of the submissions does not count toward it. Last evaluated 2025-12-16.

Conditions:
WDR73-related disorder. Also called: WDR73-related disorders; WDR73-related condition.
Galloway-Mowat syndrome 1 (GAMOS1). Identifiers: Orphanet 2065, Orphanet 83472, MedGen C4551772, MONDO:0033005, OMIM 251300.

Allele frequency attached by ClinVar (database versions not stated): TOPMed 0.00005; gnomAD 0.00006; ExAC 0.00008; gnomAD exomes 0.00009 and 0.00016.
gnomAD v4.1: 234 of 1,613,708 alleles (0.015%); highest among the groups gnomAD compares: Non-Finnish European, 0.019%; 1 homozygote.

Submissions (4):

Labcorp Genetics (formerly Invitae), Labcorp
Classification: Likely benign. Last evaluated: 2025-12-16. Review status: criteria provided, single submitter. Criteria: Invitae Variant Classification Sherloc (09022015). Collection method: clinical testing. Allele origin: germline.

Blueprint Genetics
Classification: Likely benign. Last evaluated: 2024-11-15. Review status: criteria provided, single submitter. Criteria: ACMG Guidelines, 2015. Collection method: clinical testing. Allele origin: germline.

Fulgent Genetics
Classification: Likely benign for Galloway-Mowat syndrome 1. Last evaluated: 2022-01-20. Review status: criteria provided, single submitter. Criteria: ACMG Guidelines, 2015. Collection method: clinical testing. Allele origin: unknown.

PreventionGenetics, part of Exact Sciences
Classification: Likely benign for WDR73-related condition. Last evaluated: 2019-07-10. Review status: no assertion criteria provided. Collection method: clinical testing. Allele origin: germline. Not counted in ClinVar's aggregate classification.
Comment: This variant is classified as likely benign based on ACMG/AMP sequence variant interpretation guidelines (Richards et al. 2015 PMID: 25741868, with internal and published modifications).